The following is an entry in ClinVar:

NM_001134363.3(RBM20):c.109G>T (p.Gly37Cys)

Gene: RBM20 (RNA binding motif protein 20; plus strand). Cytogenetic location: 10q25.2.
Variant type: single nucleotide variant.
Coding change: c.109G>T on transcript NM_001134363.3 (MANE Select); coding-DNA position 109, G replaced by T.
Protein change: p.Gly37Cys; replaces glycine 37 with cysteine.
Molecular consequence: missense variant.
Genome position (GRCh38, 1-based): chr10:110,644,563, G>T. VCF-style: chr10-110644563-G-T. GRCh37 (hg19) VCF-style: chr10-112404321-G-T.
Other names: short protein forms G37C.
Identifiers: ClinVar variation 4804949 (VCV004804949.1).

ClinVar aggregate classification (germline): Uncertain significance (1 of 4 stars; one submission).

Conditions:
Dilated cardiomyopathy 1DD (CMD1DD). Identifiers: Orphanet 154, MedGen C2750995, MONDO:0013168, OMIM 613172.

gnomAD v4.1: 1 of 1,525,490 alleles (0.000066%); highest among the groups gnomAD compares: South Asian, 0.0012%; no homozygotes.

Submission:

Labcorp Genetics (formerly Invitae), Labcorp
Classification: Uncertain significance for Dilated cardiomyopathy 1DD. Last evaluated: 2025-12-12. Review status: criteria provided, single submitter. Criteria: Invitae Variant Classification Sherloc (09022015). Collection method: clinical testing. Allele origin: germline.
Comment: This sequence change replaces glycine, which is neutral and non-polar, with cysteine, which is neutral and slightly polar, at codon 37 of the RBM20 protein (p.Gly37Cys). This variant is not present in population databases (gnomAD no frequency). This missense change has been observed in individual(s) with clinical features of dilated cardiomyopathy (PMID: 37652022). Invitae Evidence Modeling of protein sequence and biophysical properties (such as structural, functional, and spatial information, amino acid conservation, physicochemical variation, residue mobility, and thermodynamic stability) indicates that this missense variant is not expected to disrupt RBM20 protein function with a negative predictive value of 95%. In summary, the available evidence is currently insufficient to determine the role of this variant in disease. Therefore, it has been classified as a Variant of Uncertain Significance.

Literature cited by the submitters: PubMed 37652022.